The following is an entry in ClinVar:

ClinVar aggregate classification (germline): Uncertain significance (1 of 4 stars; one submission).

Submission:

Ambry Genetics
Classification: Uncertain significance. Last evaluated: 2026-02-25. Review status: criteria provided, single submitter. Criteria: Ambry Variant Classification Scheme 2023. Collection method: clinical testing. Allele origin: germline.
Comment: The c.649C>A (p.L217I) alteration is located in exon 5 (coding exon 5) of the LIPN gene. This alteration results from a C to A substitution at nucleotide position 649, causing the leucine (L) at amino acid position 217 to be replaced by an isoleucine (I). Based on data from gnomAD, the A allele has an overall frequency of <0.001% (1/247932) total alleles studied. The highest observed frequency was 0.003% (1/30582) of South Asian alleles. Based on insufficient or conflicting evidence, the clinical significance of this alteration remains unclear.

NM_001102469.2(LIPN):c.649C>A (p.Leu217Ile)

Gene: LIPN (lipase family member N; plus strand). Cytogenetic location: 10q23.31.
Variant type: single nucleotide variant.
Coding change: c.649C>A on transcript NM_001102469.2 (MANE Select); coding-DNA position 649, C replaced by A.
Protein change: p.Leu217Ile; replaces leucine 217 with isoleucine.
Molecular consequence: missense variant.
Genome position (GRCh38, 1-based): chr10:88,768,905, C>A. VCF-style: chr10-88768905-C-A. GRCh37 (hg19) VCF-style: chr10-90528662-C-A.
Other names: short protein forms L217I.
Identifiers: ClinVar variation 4831063 (VCV004831063.1).
Genomic context (GRCh38, chr10:88,768,905, plus strand): 5'-TTTGCCTTGGGTCCTACGATCTCATTCAAATATCCCACGGGCATTTTTACCAGGTTTTTT[C>A]TACTTCCAAATTCCATAATCAAGGTAGGCTCCTTTCAACAAAATGTACCTGAGGATCTCA-3'
Protein context (NP_001095939.1, residues 207-227): YPTGIFTRFF[Leu217Ile]LPNSIIKAVF